The following is an entry in ClinVar:

ClinVar aggregate classification (germline): Pathogenic (1 of 4 stars; one submission).

Conditions:
Intellectual developmental disorder, X-linked, syndromic, Houge type. Also called: MENTAL RETARDATION, X-LINKED, SYNDROMIC, HOUGE TYPE; Intellectual disability, X-linked, syndromic, Houge type. Identifiers: MedGen C4538788, MONDO:0030909, OMIM 301008.

Submission:

Institute of Human Genetics, University of Leipzig Medical Center
Classification: Pathogenic for Intellectual developmental disorder, X-linked, syndromic, Houge type. Last evaluated: 2021-09-08. Review status: criteria provided, single submitter. Criteria: ACMG Guidelines, 2015. Collection method: clinical testing. Allele origin: de novo. Affected: yes.
Comment: This variant was identified as de novo (maternity and paternity confirmed).

NM_014927.5(CNKSR2):c.2336C>G (p.Ser779Ter)

Gene: CNKSR2 (connector enhancer of kinase suppressor of Ras 2; plus strand). Cytogenetic location: Xp22.12.
Variant type: single nucleotide variant.
Coding change: c.2336C>G on transcript NM_014927.5 (MANE Select); coding-DNA position 2336, C replaced by G.
Protein change: p.Ser779Ter; replaces serine 779 with a stop codon.
Molecular consequence: nonsense.
Genome position (GRCh38, 1-based): chrX:21,609,261, C>G. VCF-style: chrX-21609261-C-G. GRCh37 (hg19) VCF-style: chrX-21627379-C-G.
Other names: c.2246C>G, p.Ser749Ter (NM_001168647.3, NM_001330773.2); c.2336C>G, p.Ser779Ter (NM_001168648.3); c.2189C>G, p.Ser730Ter (NM_001168649.3, NM_001330770.2); c.2099C>G, p.Ser700Ter (NM_001330771.2, NM_001330772.2); short protein forms S700*, S730*, S749*, S779*.
Identifiers: ClinVar variation 1299341 (VCV001299341.1), dbSNP rs2147283343, ClinGen allele CA412558611.